The following is an entry in ClinVar:

NM_001134831.2(AHI1):c.2961+3A>G

Gene: AHI1 (Abelson helper integration site 1; minus strand). Cytogenetic location: 6q23.3.
Variant type: single nucleotide variant.
Coding change: c.2961+3A>G on transcript NM_001134831.2 (MANE Select); 3 bases into the intron after coding-DNA position 2961, A replaced by G.
Molecular consequence: intron variant.
Genome position (GRCh38, 1-based): chr6:135,411,345, T>C on the plus strand (A>G on the coding strand, the complement: AHI1 is on the minus strand). VCF-style: chr6-135411345-T-C. GRCh37 (hg19) VCF-style: chr6-135732483-T-C.
Other names: c.2961+3A>G (NM_001134830.2, NM_001350503.2, NM_017651.5 and 2 more transcripts).
Identifiers: ClinVar variation 1471735 (VCV001471735.6), dbSNP rs1444567539, ClinGen allele CA570978439.
Genomic context (GRCh38, chr6:135,411,345, plus strand): 5'-GCATGGCAATGTAAAACAGGATAGAAATAGTTTTAAAGTTTCAACTGCATAAAATAAACT[T>C]ACTGTGACAGTTTCAAGCCTCTGTTTTACTAGCTGCATCTTCGTTGAAGAACTTTCAGTG-3'

ClinVar aggregate classification (germline): Uncertain significance (1 of 4 stars; one submission).

Conditions:
Joubert syndrome. Also called: CEREBELLOPARENCHYMAL DISORDER IV; JOUBERT-BOLTSHAUSER SYNDROME; Familial aplasia of the vermis. Identifiers: Orphanet 475, MedGen C5979921, MONDO:0018772.

Allele frequency attached by ClinVar (database versions not stated): gnomAD exomes below 0.00001.
gnomAD v4.1: 2 of 1,612,598 alleles (0.00012%); highest among the groups gnomAD compares: Non-Finnish European, 0.000085%; no homozygotes.

Submission:

Labcorp Genetics (formerly Invitae), Labcorp
Classification: Uncertain significance for Joubert syndrome. Last evaluated: 2022-07-19. Review status: criteria provided, single submitter. Criteria: Invitae Variant Classification Sherloc (09022015). Collection method: clinical testing. Allele origin: germline.
Comment: In summary, the available evidence is currently insufficient to determine the role of this variant in disease. Therefore, it has been classified as a Variant of Uncertain Significance. Variants that disrupt the consensus splice site are a relatively common cause of aberrant splicing (PMID: 17576681, 9536098). Algorithms developed to predict the effect of sequence changes on RNA splicing suggest that this variant is not likely to affect RNA splicing. ClinVar contains an entry for this variant (Variation ID: 1471735). This variant has not been reported in the literature in individuals affected with AHI1-related conditions. The frequency data for this variant in the population databases is considered unreliable, as metrics indicate poor data quality at this position in the gnomAD database. This sequence change falls in intron 20 of the AHI1 gene. It does not directly change the encoded amino acid sequence of the AHI1 protein. It affects a nucleotide within the consensus splice site.

Literature cited by the submitters: PubMed 17576681; PubMed 9536098.